The following continues an entry in ClinVar:

NM_007294.4(BRCA1):c.4041_4042del (p.Gly1348fs)

ClinVar aggregate classification (germline): Pathogenic. Pathogenic (1).

Submissions 9 to 28 of 28:

Quest Diagnostics Nichols Institute San Juan Capistrano
Classification: Pathogenic. Last evaluated: 2024-08-02. Review status: criteria provided, single submitter. Criteria: Quest Diagnostics criteria. Collection method: clinical testing. Allele origin: unknown. Not counted in ClinVar's aggregate classification.
Comment: The BRCA1 c.4041_4042del (p.Gly1348Asnfs*7) variant alters the translational reading frame of the BRCA1 mRNA and causes the premature termination of BRCA1 protein synthesis. This variant has been reported in the published literature in individuals affected with breast cancer and/or ovarian cancer (PMIDs: 35578052 (2022), 27488874 (2017), 25330149 (2015), 23697973 (2012), 9649133 (1998)). Based on the available information, this variant is classified as pathogenic.

Baylor Genetics
Classification: Pathogenic for Breast-ovarian cancer, familial, susceptibility to, 1. Last evaluated: 2024-03-14. Review status: criteria provided, single submitter. Criteria: ACMG Guidelines, 2015. Collection method: clinical testing. Allele origin: unknown. Not counted in ClinVar's aggregate classification.

Color Diagnostics, LLC DBA Color Health
Classification: Pathogenic for Hereditary cancer-predisposing syndrome. Last evaluated: 2023-11-01. Review status: criteria provided, single submitter. Criteria: ACMG Guidelines, 2015. Collection method: clinical testing. Allele origin: germline. Not counted in ClinVar's aggregate classification.
Comment: This variant deletes 2 nucleotides in exon 10 of the BRCA1 gene, creating a frameshift and premature translation stop signal. This variant is also known as 4158delAG, 4159delGA and 4160delAG according to the BIC nomenclature. This variant is expected to result in an absent or non-functional protein product. This variant has been observed in over ten unrelated individuals affected with breast or ovarian cancer (PMID: 9649133, 12204006, 19016756, 22006311, 23697973, 25330149, 25418591, 27083178, 27488874, 29673794, 30555256, 32101877; Color internal data). This variant has not been identified in the general population by the Genome Aggregation Database (gnomAD). Loss of BRCA1 function is a known mechanism of disease. Based on the available evidence, this variant is classified as Pathogenic.

GeneDx
Classification: Pathogenic. Last evaluated: 2023-09-18. Review status: criteria provided, single submitter. Criteria: GeneDx Variant Classification Process June 2021. Collection method: clinical testing. Allele origin: germline. Affected: yes. Not counted in ClinVar's aggregate classification.
Comment: Frameshift variant predicted to result in protein truncation or nonsense mediated decay in a gene for which loss-of-function is a known mechanism of disease; Observed in individuals with a personal or family history consistent with pathogenic variants in this gene (Eccles et al., 1998; Kang et al., 2002; Laitman et al., 2011; Kim et al., 2012; Kwon et al., 2018; Mehta et al., 2018; Ryu et al., 2019); Truncating variants in this gene are considered pathogenic by a well-established clinical consortium and/or database; Not observed at significant frequency in large population cohorts (gnomAD); Also known as 4160_4161del; This variant is associated with the following publications: (PMID: 23697973, 9649133, 25330149, 26843898, 22864640, 30555256, 28111427, 27488874, 30350268, 17921118, 19016756, 22006311, 12204006, 25483746, 22798144, 27083178, 26187060, 20960228, 26845104, 28152038, 28724667, 30352249, 30309222, 30702160, 33726785, 31825140, 32101877, 34645131, 28888541)

Institute of Human Genetics, University of Leipzig Medical Center
Classification: Pathogenic for Breast-ovarian cancer, familial, susceptibility to, 1. Last evaluated: 2023-03-03. Review status: criteria provided, single submitter. Criteria: ACMG Guidelines, 2015. Collection method: clinical testing. Allele origin: germline. Not counted in ClinVar's aggregate classification.
Comment: Criteria applied: PVS1, PS4, PM2_SUP

Women's Health and Genetics/Laboratory Corporation of America, LabCorp
Classification: Pathogenic for Hereditary breast ovarian cancer syndrome. Last evaluated: 2022-04-09. Review status: criteria provided, single submitter. Criteria: LabCorp Variant Classification Summary - May 2015. Collection method: clinical testing. Allele origin: germline. Not counted in ClinVar's aggregate classification.
Comment: Variant summary: BRCA1 c.4041_4042delAG (p.Gly1348AsnfsX7) results in a premature termination codon, predicted to cause a truncation of the encoded protein or absence of the protein due to nonsense mediated decay, which are commonly known mechanisms for disease. Truncations downstream of this position have been classified as pathogenic by our laboratory. The variant was absent in 251088 control chromosomes. c.4041_4042delAG has been reported in the literature in multiple individuals affected with Hereditary Breast And Ovarian Cancer Syndrome (example, Walsh_2011, Troudi_2007, Sugano_2008, Kim_2012, Eccles_1998, Judkins_2005). These data indicate that the variant is very likely to be associated with disease. Multiple clinical diagnostic laboratories, an expert panel (ENIGMA) and a consortium (CIMBA) have submitted clinical-significance assessments for this variant to ClinVar after 2014. All submitters classified the variant as pathogenic. Based on the evidence outlined above, the variant was classified as pathogenic.

Fulgent Genetics
Classification: Pathogenic for Familial cancer of breast; Breast-ovarian cancer, familial, susceptibility to, 1; Pancreatic cancer, susceptibility to, 4; Fanconi anemia, complementation group S. Last evaluated: 2021-11-24. Review status: criteria provided, single submitter. Criteria: ACMG Guidelines, 2015. Collection method: clinical testing. Allele origin: unknown. Not counted in ClinVar's aggregate classification.

Sema4
Classification: Pathogenic for Hereditary cancer-predisposing syndrome. Last evaluated: 2021-11-15. Review status: criteria provided, single submitter. Criteria: Sema4 Curation Guidelines. Collection method: curation. Allele origin: germline. Not counted in ClinVar's aggregate classification.
Comment: The BRCA1 c.4041_4042delAG (p.G1348NfsX7) variant has been reported in several individuals with breast and/or ovarian cancer (PMID: 9649133, 25330149, 16267036, 30350268, 22006311). This variant causes a frameshift at amino acid 1348 that results in premature termination 7 amino acids downstream. At this location, this is predicted to cause nonsense-mediated decay and result in an absent protein (loss of function). Loss of function variants in BRCA1 are known to be pathogenic (PMID: 29446198). This variant is not reported in the population database Genome Aggregation Database (PMID: 32461654). This variant has been reported in ClinVar (Variation ID: 55082). Based on the current evidence available, this variant is interpreted as pathogenic.

Greenwood Genetic Center Diagnostic Laboratories, Greenwood Genetic Center
Classification: Pathogenic. Last evaluated: 2021-02-23. Review status: criteria provided, single submitter. Criteria: ACMG Guidelines, 2015. Collection method: clinical testing. Allele origin: germline. Not counted in ClinVar's aggregate classification.
Comment: PVS1, PM2, PS4

GeneKor MSA
Classification: Pathogenic. Last evaluated: 2020-01-01. Review status: criteria provided, single submitter. Criteria: ACMG Guidelines, 2015. Collection method: clinical testing. Allele origin: germline. Not counted in ClinVar's aggregate classification.
Comment: This is a deletion of 2 base pairs, which results in frameshift and creation of a stop codon 7 amino acid residues later. It is expected to result in an absent or disrupted protein product. Truncating variants in BRCA1 are known to be pathogenic. This variant has been described in the literature as 4160delAG.

Department of Pathology and Molecular Medicine, Queen's University
Classification: Pathogenic for Hereditary breast ovarian cancer syndrome. Last evaluated: 2017-04-20. Review status: criteria provided, single submitter. Criteria: ACMG Guidelines, 2015. Collection method: clinical testing. Allele origin: germline. Study: The Canadian Open Genetics Repository (COGR). Not counted in ClinVar's aggregate classification.

University of Washington Department of Laboratory Medicine, University of Washington
Classification: Pathogenic for Breast-ovarian cancer, familial, susceptibility to, 1. Last evaluated: 2015-11-20. Review status: criteria provided, single submitter. Criteria: Shirts et al. (Genet Med 2016). Collection method: clinical testing. Allele origin: germline. Affected: no. Observed: 1 variant allele. Not counted in ClinVar's aggregate classification.

Consortium of Investigators of Modifiers of BRCA1/2 (CIMBA), c/o University of Cambridge
Classification: Pathogenic for Breast-ovarian cancer, familial, susceptibility to, 1. Last evaluated: 2015-10-02. Review status: criteria provided, single submitter. Criteria: CIMBA Mutation Classification guidelines May 2016. Collection method: clinical testing. Allele origin: germline. Not counted in ClinVar's aggregate classification.

Juno Genomics, Hangzhou Juno Genomics, Inc
Classification: Pathogenic for Breast-ovarian cancer, familial, susceptibility to, 1; Pancreatic cancer, susceptibility to, 4; Fanconi anemia, complementation group S. Review status: criteria provided, single submitter. Criteria: ACMG Guidelines, 2015. Collection method: clinical testing. Allele origin: germline. Affected: yes. Not counted in ClinVar's aggregate classification.
Comment: Null variant in a gene where loss of function (LOF) is a known mechanism of disease.;Novel missense change at an amino acid residue where a different missense change determined to be pathogenic has been seen before.

deCODE genetics, Amgen
Classification: Pathogenic for Breast-ovarian cancer, familial, susceptibility to, 1. Last evaluated: 2023-07-21. Review status: no assertion criteria provided. Collection method: research. Allele origin: germline. Affected: yes. Observed: 4 variant alleles. Not counted in ClinVar's aggregate classification.
Comment: The variant NM_007294.4:c.4041_4042del (chr17:430914889) in BRCA1 was detected in 4 heterozygotes out of 58K WGS Icelanders (MAF= 0,003%). This variant has been reported in ClinVar previously as pathogenic. Based on ACMG criteria (PVS1, PP5) this variant classifies as pathogenic.

Research Molecular Genetics Laboratory, Women's College Hospital, University of Toronto
Classification: Pathogenic for Hereditary breast ovarian cancer syndrome. Last evaluated: 2014-01-31. Review status: no assertion criteria provided. Collection method: research. Allele origin: germline. Affected: yes. Study: The Canadian Open Genetics Repository (COGR). Not counted in ClinVar's aggregate classification.

Sharing Clinical Reports Project (SCRP)
Classification: Pathogenic for Breast-ovarian cancer, familial 1. Last evaluated: 2011-11-30. Review status: no assertion criteria provided. Collection method: clinical testing. Allele origin: germline. Not counted in ClinVar's aggregate classification.

Breast Cancer Information Core (BIC) (BRCA1)
Classification: Pathogenic for Breast-ovarian cancer, familial 1. Last evaluated: 2002-05-29. Review status: no assertion criteria provided. Collection method: clinical testing. Allele origin: germline. Affected: yes. Observed: 7 variant alleles. Not counted in ClinVar's aggregate classification.

Center for Precision Medicine, Meizhou People's Hospital
Classification: Pathogenic for Familial cancer of breast. Review status: no assertion criteria provided. Collection method: literature only. Allele origin: germline. Affected: yes. Not counted in ClinVar's aggregate classification.

Department of Pathology and Laboratory Medicine, Sinai Health System
Classification: Pathogenic. Review status: no assertion criteria provided. Collection method: clinical testing. Allele origin: unknown. Affected: yes. Observed: 2 variant alleles. Study: The Canadian Open Genetics Repository (COGR). Not counted in ClinVar's aggregate classification.

Literature cited by the submitters: PubMed 20104584 (cited by Labcorp Genetics (formerly Invitae), Labcorp); PubMed 9649133 (cited by 7 submitters); PubMed 12204006 (cited by 4 submitters); PubMed 23697973 (cited by 4 submitters); PubMed 25330149 (cited by 7 submitters); PubMed 25418591 (cited by 5 submitters); PubMed 27083178 (cited by 4 submitters); PubMed 17922257 (cited by Ambry Genetics and Women's Health and Genetics/Laboratory Corporation of America, LabCorp); PubMed 20960228 (cited by Ambry Genetics); PubMed 22798144 (cited by 4 submitters); PubMed 22864640 (cited by Ambry Genetics and Quest Diagnostics Nichols Institute San Juan Capistrano); PubMed 25948282 (cited by Ambry Genetics); PubMed 27025497 (cited by Ambry Genetics); PubMed 27488874 (cited by 5 submitters); PubMed 28111427 (cited by Ambry Genetics); PubMed 28724667 (cited by Ambry Genetics); PubMed 30350268 (cited by Ambry Genetics and Sema4); PubMed 30555256 (cited by 3 submitters); PubMed 32101877 (cited by 3 submitters); PubMed 19016756 (cited by 4 submitters); PubMed 22006311 (cited by 5 submitters); PubMed 29673794 (cited by All of Us Research Program, National Institutes of Health and Color Diagnostics, LLC DBA Color Health); PubMed 26295337 (cited by Quest Diagnostics Nichols Institute San Juan Capistrano); PubMed 35578052 (cited by Quest Diagnostics Nichols Institute San Juan Capistrano); PubMed 16267036 (cited by Women's Health and Genetics/Laboratory Corporation of America, LabCorp and Sema4); PubMed 29446198 (cited by Sema4).